The following is an entry in ClinVar:

ClinVar aggregate classification (germline): Uncertain significance (1 of 4 stars; one submission).

Conditions:
LAMA2-related muscular dystrophy (LAMA2-RD). Also called: Laminin alpha 2-related dystrophy. Identifiers: MedGen C5679788, MONDO:0100228.

Submission:

Labcorp Genetics (formerly Invitae), Labcorp
Classification: Uncertain significance for LAMA2-related muscular dystrophy. Last evaluated: 2022-08-08. Review status: criteria provided, single submitter. Criteria: Invitae Variant Classification Sherloc (09022015). Collection method: clinical testing. Allele origin: germline.
Comment: This variant has not been reported in the literature in individuals affected with LAMA2-related conditions. In summary, the available evidence is currently insufficient to determine the role of this variant in disease. Therefore, it has been classified as a Variant of Uncertain Significance. Advanced modeling of protein sequence and biophysical properties (such as structural, functional, and spatial information, amino acid conservation, physicochemical variation, residue mobility, and thermodynamic stability) performed at Invitae indicates that this missense variant is not expected to disrupt LAMA2 protein function. This variant is not present in population databases (gnomAD no frequency). This sequence change replaces asparagine, which is neutral and polar, with aspartic acid, which is acidic and polar, at codon 2558 of the LAMA2 protein (p.Asn2558Asp).

NM_000426.4(LAMA2):c.7672A>G (p.Asn2558Asp)

Gene: LAMA2 (laminin subunit alpha 2; plus strand). Cytogenetic location: 6q22.33.
Variant type: single nucleotide variant.
Coding change: c.7672A>G on transcript NM_000426.4 (MANE Select); coding-DNA position 7672, A replaced by G.
Protein change: p.Asn2558Asp; replaces asparagine 2558 with aspartic acid.
Molecular consequence: missense variant.
Genome position (GRCh38, 1-based): chr6:129,481,362, A>G. VCF-style: chr6-129481362-A-G. GRCh37 (hg19) VCF-style: chr6-129802507-A-G.
Other names: c.7660A>G, p.Asn2554Asp (NM_001079823.2); short protein forms N2558D, N2554D.
Identifiers: ClinVar variation 1976919 (VCV001976919.5), dbSNP rs1476993127, ClinGen allele CA365628144.